The following is an entry in ClinVar:

ClinVar aggregate classification (germline): Pathogenic (1 of 4 stars; one submission).

Conditions:
Hereditary spastic paraplegia 2 (SPG2). Also called: Spastic Paraplegia 2 (SPG2); SPASTIC PARAPLEGIA 2, X-LINKED. Identifiers: Orphanet 99015, MedGen C0751604, MONDO:0010733, OMIM 312920.

Submission:

Labcorp Genetics (formerly Invitae), Labcorp
Classification: Pathogenic for Spastic paraplegia 2. Last evaluated: 2018-07-11. Review status: criteria provided, single submitter. Criteria: Invitae Variant Classification Sherloc (09022015). Collection method: clinical testing. Allele origin: germline.
Comment: A gross deletion of the genomic region encompassing the full coding sequence of the PLP1 gene has been identified. The boundaries of this event are unknown as the deletion extends beyond the assayed region for this gene and therefore may encompass additional genes. Similar whole gene deletions of PLP1 have been observed in individuals affected with Pelizaeus-Merzbacher diseaseÂ¬â€ (PMID: 1720927, 24139698). Loss-of-function variants in PLP1 are known to be pathogenic (PMID: 18470932). For these reasons, this variant has been classified as Pathogenic.

Literature cited by the submitters: PubMed 24139698; PubMed 1720927.

NC_000023.10:g.(?_103031893)_(103045546_?)del

Gene: PLP1 (proteolipid protein 1; plus strand). Cytogenetic location: Xq22.2.
Variant type: Deletion.
Identifiers: ClinVar variation 655751 (VCV000655751.1).